The following is an entry in ClinVar:

ClinVar aggregate classification (germline): Uncertain significance (1 of 4 stars; one submission).

Allele frequency attached by ClinVar (database versions not stated): gnomAD exomes below 0.00001.

Submission:

Ambry Genetics
Classification: Uncertain significance. Last evaluated: 2023-01-31. Review status: criteria provided, single submitter. Criteria: Ambry Variant Classification Scheme 2023. Collection method: clinical testing. Allele origin: germline.
Comment: The p.P593T variant (also known as c.1777C>A), located in coding exon 16 of the RAD54L gene, results from a C to A substitution at nucleotide position 1777. The proline at codon 593 is replaced by threonine, an amino acid with highly similar properties. This amino acid position is conserved. In addition, this alteration is predicted to be deleterious by in silico analysis. Since supporting evidence is limited at this time, the clinical significance of this alteration remains unclear.

NM_003579.4(RAD54L):c.1777C>A (p.Pro593Thr)

Gene: RAD54L (RAD54 like; plus strand). Cytogenetic location: 1p34.1.
Variant type: single nucleotide variant.
Coding change: c.1777C>A on transcript NM_003579.4 (MANE Select); coding-DNA position 1777, C replaced by A.
Protein change: p.Pro593Thr; replaces proline 593 with threonine.
Molecular consequence: missense variant.
Genome position (GRCh38, 1-based): chr1:46,274,625, C>A. VCF-style: chr1-46274625-C-A. GRCh37 (hg19) VCF-style: chr1-46740297-C-A.
Other names: c.1777C>A, p.Pro593Thr (NM_001142548.2); c.1237C>A, p.Pro413Thr (NM_001370766.1); short protein forms P413T, P593T.
Identifiers: ClinVar variation 2464163 (VCV002464163.2), dbSNP rs1316049294, ClinGen allele CA340185735.